The following is an entry in ClinVar:

NM_000181.4(GUSB):c.14C>T (p.Ser5Leu)

Gene: GUSB (glucuronidase beta; minus strand). Cytogenetic location: 7q11.21.
Variant type: single nucleotide variant.
Coding change: c.14C>T on transcript NM_000181.4 (MANE Select); coding-DNA position 14, C replaced by T.
Protein change: p.Ser5Leu; replaces serine 5 with leucine.
Molecular consequence: missense variant. On other transcripts: 5 prime UTR variant (2), non-coding transcript variant (1).
Genome position (GRCh38, 1-based): chr7:65,982,170, G>A on the plus strand (C>T on the coding strand, the complement: GUSB is on the minus strand). VCF-style: chr7-65982170-G-A. GRCh37 (hg19) VCF-style: chr7-65447157-G-A.
Other names: c.14C>T, p.Ser5Leu (NM_001284290.2); c.-372C>T (NM_001293104.2); c.-316C>T (NM_001293105.2); short protein forms S5L.
Identifiers: ClinVar variation 2042617 (VCV002042617.1), dbSNP rs535382125, ClinGen allele CA4276759.

ClinVar aggregate classification (germline): Uncertain significance (1 of 4 stars; one submission).

Conditions:
Mucopolysaccharidosis type 7 (MPS7). Also called: GUSB DEFICIENCY; SLY SYNDROME; MPS VII; BETA-GLUCURONIDASE DEFICIENCY. Identifiers: Orphanet 584, MedGen C0085132, MONDO:0009662, OMIM 253220.

Allele frequency attached by ClinVar (database versions not stated): gnomAD 0.00001; TOPMed 0.00002; 1000 Genomes Project 30x 0.00016; ExAC 0.00016; 1000 Genomes Project 0.00020.
gnomAD v4.1: 9 of 1,514,594 alleles (0.00059%); highest among the groups gnomAD compares: Admixed American, 0.004%; no homozygotes.

Submission:

Labcorp Genetics (formerly Invitae), Labcorp
Classification: Uncertain significance for Mucopolysaccharidosis type 7. Last evaluated: 2022-04-17. Review status: criteria provided, single submitter. Criteria: Invitae Variant Classification Sherloc (09022015). Collection method: clinical testing. Allele origin: germline.
Comment: This sequence change replaces serine, which is neutral and polar, with leucine, which is neutral and non-polar, at codon 5 of the GUSB protein (p.Ser5Leu). The frequency data for this variant in the population databases is considered unreliable, as metrics indicate poor data quality at this position in the gnomAD database. This variant has not been reported in the literature in individuals affected with GUSB-related conditions. Algorithms developed to predict the effect of missense changes on protein structure and function output the following: SIFT: "Tolerated"; PolyPhen-2: "Benign"; Align-GVGD: "Class C0". The leucine amino acid residue is found in multiple mammalian species, which suggests that this missense change does not adversely affect protein function. In summary, the available evidence is currently insufficient to determine the role of this variant in disease. Therefore, it has been classified as a Variant of Uncertain Significance.